The following is an entry in ClinVar:

ClinVar aggregate classification (germline): Uncertain significance (1 of 4 stars; one submission).

Conditions:
3-methylcrotonyl-CoA carboxylase 2 deficiency. Also called: 3 alpha methylcrotonyl-CoA carboxylase 2 deficiency; 3 alpha methylcrotonylglycinuria 2; MCC 2 deficiency; Methylcrotonylglycinuria type 2; METHYLCROTONYLGLYCINURIA, TYPE II. Identifiers: Orphanet 6, MedGen C1859499, MONDO:0008862, OMIM 210210.

Allele frequency attached by ClinVar (database versions not stated): TOPMed below 0.00001.

Submission:

Labcorp Genetics (formerly Invitae), Labcorp
Classification: Uncertain significance for 3-methylcrotonyl-CoA carboxylase 2 deficiency. Last evaluated: 2022-04-02. Review status: criteria provided, single submitter. Criteria: Invitae Variant Classification Sherloc (09022015). Collection method: clinical testing. Allele origin: germline.
Comment: In summary, the available evidence is currently insufficient to determine the role of this variant in disease. Therefore, it has been classified as a Variant of Uncertain Significance. Variants that disrupt the consensus splice site are a relatively common cause of aberrant splicing (PMID: 17576681, 9536098). Algorithms developed to predict the effect of sequence changes on RNA splicing suggest that this variant may disrupt the consensus splice site. This variant has not been reported in the literature in individuals affected with MCCC2-related conditions. This variant is not present in population databases (gnomAD no frequency). This sequence change falls in intron 15 of the MCCC2 gene. It does not directly change the encoded amino acid sequence of the MCCC2 protein. It affects a nucleotide within the consensus splice site.

Literature cited by the submitters: PubMed 17576681; PubMed 9536098.

NM_022132.5(MCCC2):c.1489-3T>A

Gene: MCCC2 (methylcrotonyl-CoA carboxylase subunit 2; plus strand). Cytogenetic location: 5q13.2.
Variant type: single nucleotide variant.
Coding change: c.1489-3T>A on transcript NM_022132.5 (MANE Select); 3 bases into the intron before coding-DNA position 1489, T replaced by A.
Molecular consequence: intron variant.
Genome position (GRCh38, 1-based): chr5:71,652,666, T>A. VCF-style: chr5-71652666-T-A. GRCh37 (hg19) VCF-style: chr5-70948493-T-A.
Other names: c.1375-3T>A (NM_001363147.1).
Identifiers: ClinVar variation 2120869 (VCV002120869.4), dbSNP rs1747467660, ClinGen allele CA1554400047.